The following is an entry in ClinVar:

ClinVar aggregate classification (germline): Uncertain significance (1 of 4 stars; one submission).

Conditions:
Spastic ataxia 8, autosomal recessive, with hypomyelinating leukodystrophy (SPAX8). Identifiers: Orphanet 527497, MedGen C4479653, MONDO:0033043, OMIM 617560.

Allele frequency attached by ClinVar (database versions not stated): gnomAD exomes below 0.00001 and 0.00001; ExAC 0.00001.
gnomAD v4.1: 3 of 1,394,602 alleles (0.00022%); highest among the groups gnomAD compares: Admixed American, 0.0022%; no homozygotes.

Submission:

Baylor Genetics
Classification: Uncertain significance for Spastic ataxia 8, autosomal recessive, with hypomyelinating leukodystrophy. Last evaluated: 2018-09-25. Review status: criteria provided, single submitter. Criteria: ACMG Guidelines, 2015. Collection method: clinical testing. Allele origin: paternal. Affected: yes.
Comment: This variant was determined to be of uncertain significance according to ACMG Guidelines, 2015 [PMID:25741868].

NM_177400.3(NKX6-2):c.59A>G (p.His20Arg)

Gene: NKX6-2 (NK6 homeobox 2; minus strand). Cytogenetic location: 10q26.3.
Variant type: single nucleotide variant.
Coding change: c.59A>G on transcript NM_177400.3 (MANE Select); coding-DNA position 59, A replaced by G.
Protein change: p.His20Arg; replaces histidine 20 with arginine.
Molecular consequence: missense variant.
Genome position (GRCh38, 1-based): chr10:132,785,890, T>C on the plus strand (A>G on the coding strand, the complement: NKX6-2 is on the minus strand). VCF-style: chr10-132785890-T-C. GRCh37 (hg19) VCF-style: chr10-134599394-T-C.
Other names: short protein forms H20R.
Identifiers: ClinVar variation 1031745 (VCV001031745.1), dbSNP rs745907425, ClinGen allele CA5756160.